The following is an entry in ClinVar:

ClinVar aggregate classification (germline): Pathogenic (1 of 4 stars; one submission).

Submission:

Labcorp Genetics (formerly Invitae), Labcorp
Classification: Pathogenic. Last evaluated: 2022-07-30. Review status: criteria provided, single submitter. Criteria: Invitae Variant Classification Sherloc (09022015). Collection method: clinical testing. Allele origin: germline.
Comment: This sequence change creates a premature translational stop signal (p.Leu581Trpfs*2) in the APC2 gene. It is expected to result in an absent or disrupted protein product. Loss-of-function variants in APC2 are known to be pathogenic (PMID: 31585108). This variant is not present in population databases (gnomAD no frequency). This variant has not been reported in the literature in individuals affected with APC2-related conditions. For these reasons, this variant has been classified as Pathogenic.

Literature cited by the submitters: PubMed 31585108.

NM_005883.3(APC2):c.1741del (p.Leu581fs)

Gene: APC2 (APC regulator of Wnt signaling pathway 2; plus strand). Cytogenetic location: 19p13.3.
Variant type: Deletion.
Coding change: c.1741del on transcript NM_005883.3 (MANE Select); coding-DNA position 1741, one base deleted (C; older notation c.1741delC).
Protein change: p.Leu581fs; shifts the reading frame from leucine 581.
Molecular consequence: frameshift variant.
Genome position (GRCh38, 1-based): chr19:1,462,065, C deleted; the last of 2 consecutive C bases (chr19:1,462,064-1,462,065); deleting either gives the same sequence. VCF-style (leftmost placement, unchanged base first): chr19-1462063-TC-T. GRCh37 (hg19) VCF-style: chr19-1462062-TC-T.
Other names: c.1738del, p.Leu580fs (NM_001351273.1); short protein forms L580fs, L581fs.
Identifiers: ClinVar variation 2020496 (VCV002020496.4), dbSNP rs2512499415, ClinGen allele CA2580096052.
Genomic context (GRCh38, chr19:1,462,063, plus strand): 5'-TGTCTGCACACAGCACAGAGAACAAGGCGGCCATCTGCCAGGTGGATGGCGCCCTGGGCT[TC>T]CTGGTGAGCACCCTGACCTACAAGTGTCAGAGCAACTCGCTGGCCATCATCGAGAGCGGC-3'